The following is an entry in ClinVar:

NM_000455.5(STK11):c.291-15_292del

Gene: STK11 (serine/threonine kinase 11; plus strand). Cytogenetic location: 19p13.3.
Variant type: Deletion.
Coding change: c.291-15_292del on transcript NM_000455.5 (MANE Select); 15 bases into the intron before coding-DNA position 291 through coding-DNA position 292, 17 bases deleted (TCCTCTCTGTCCCAGGG).
Molecular consequence: splice acceptor variant.
Genome position (GRCh38, 1-based): chr19:1,218,402-1,218,418, TCCTCTCTGTCCCAGGG deleted; deleting any 17 consecutive bases within chr19:1,218,401-1,218,418 gives the same sequence; the c. name uses the placement nearest the transcript's 3' end. VCF-style (leftmost placement, unchanged base first): chr19-1218400-TGTCCTCTCTGTCCCAGG-T. GRCh37 (hg19) VCF-style: chr19-1218399-TGTCCTCTCTGTCCCAGG-T.
Identifiers: ClinVar variation 654771 (VCV000654771.1), dbSNP rs1599924500, ClinGen allele CA915951577.
Genomic context (GRCh38, chr19:1,218,400, plus strand): 5'-GGGAGGCCGACTCCAGGGATCCAGGCCATCATCCTGACGTTGGGTCGGCTGATACACCCC[TGTCCTCTCTGTCCCAGG>T]GAAATTCAACTACTGAGGAGGTTACGGCACAAAAATGTCATCCAGCTGGTGGATGTGTTA-3'

ClinVar aggregate classification (germline): Likely pathogenic (1 of 4 stars; one submission).

Conditions:
Peutz-Jeghers syndrome (PJS). Also called: POLYPOSIS, HAMARTOMATOUS INTESTINAL; POLYPS-AND-SPOTS SYNDROME; Peutz-Jeghers polyposis; Periorificial lentiginosis syndrome. Identifiers: Orphanet 2869, MedGen C0031269, MeSH D010580, MONDO:0008280, OMIM 175200.

Submission:

Labcorp Genetics (formerly Invitae), Labcorp
Classification: Likely pathogenic for Peutz-Jeghers syndrome. Last evaluated: 2018-09-05. Review status: criteria provided, single submitter. Criteria: Invitae Variant Classification Sherloc (09022015). Collection method: clinical testing. Allele origin: germline.
Comment: This sequence change affects an acceptor splice site in intron 1 of the STK11 gene. It is expected to disrupt RNA splicing and likely results in an absent or disrupted protein product. This variant is not present in population databases (ExAC no frequency). This variant has not been reported in the literature in individuals with STK11-related disease. Donor and acceptor splice site variants typically lead to a loss of protein function (PMID: 16199547), and loss-of-function variants in STK11 are known to be pathogenic (PMID: 15188174, 16287113). In summary, the currently available evidence indicates that the variant is pathogenic, but additional data are needed to prove that conclusively. Therefore, this variant has been classified as Likely Pathogenic.

Literature cited by the submitters: PubMed 15188174; PubMed 16287113.